The following is an entry in ClinVar:

NM_002249.6(KCNN3):c.2107G>T (p.Gly703Cys)

Gene: KCNN3 (potassium calcium-activated channel subfamily N member 3; minus strand). Cytogenetic location: 1q21.3.
Variant type: single nucleotide variant.
Coding change: c.2107G>T on transcript NM_002249.6 (MANE Select); coding-DNA position 2107, G replaced by T.
Protein change: p.Gly703Cys; replaces glycine 703 with cysteine.
Molecular consequence: missense variant.
Genome position (GRCh38, 1-based): chr1:154,708,065, C>A on the plus strand (G>T on the coding strand, the complement: KCNN3 is on the minus strand). VCF-style: chr1-154708065-C-A. GRCh37 (hg19) VCF-style: chr1-154680541-C-A.
Other names: c.2152G>T, p.Gly718Cys (NM_001204087.2); c.1213G>T, p.Gly405Cys (NM_001365837.1); c.1168G>T, p.Gly390Cys (NM_001365838.1); c.1192G>T, p.Gly398Cys (NM_170782.3); short protein forms G390C, G398C, G405C, G703C, G718C.
Identifiers: ClinVar variation 1315335 (VCV001315335.3), dbSNP rs2101754196, ClinGen allele CA343065934.

ClinVar aggregate classification (germline): Uncertain significance (1 of 4 stars; one submission).

Submission:

GeneDx
Classification: Uncertain significance. Last evaluated: 2025-06-02. Review status: criteria provided, single submitter. Criteria: GeneDx Variant Classification Process June 2021. Collection method: clinical testing. Allele origin: germline. Affected: yes.
Comment: Not observed at significant frequency in large population cohorts (gnomAD); In silico analysis suggests that this missense variant does not alter protein structure/function; Has not been previously published as pathogenic or benign to our knowledge